The following is an entry in ClinVar:

ClinVar aggregate classification (germline): Uncertain significance. Review status: criteria provided, multiple submitters, no conflicts (2 of 4 stars). 4 submissions from 4 submitters: Uncertain significance (4). Last evaluated 2025-10-08.

Conditions:
Fraser syndrome 2 (FRASRS2). Identifiers: MedGen C4540036, MONDO:0054738, OMIM 617666.
Inborn genetic diseases. Identifiers: MedGen C0950123, MeSH D030342.

Allele frequency attached by ClinVar (database versions not stated): gnomAD exomes 0.00005 and 0.00003; ESP Exome Variant Server 0.00023; ExAC 0.00005; gnomAD 0.00024 and 0.00022; TOPMed 0.00019.
gnomAD v4.1: 78 of 1,613,918 alleles (0.0048%); highest among the groups gnomAD compares: African/African-American, 0.063%; no homozygotes.

Submissions (4):

Clinical Genomics Laboratory, Washington University in St. Louis
Classification: Uncertain significance for Fraser syndrome 2. Last evaluated: 2025-10-08. Review status: criteria provided, single submitter. Criteria: ACMG Guidelines, 2015. Collection method: clinical testing. Allele origin: germline.
Comment: The FREM2 c.9356C>T (p.Thr3119Met) variant, to our knowledge, has not been reported in the medical literature. This variant is only observed on 78/1,613,918 alleles in the general population (gnomAD v2.1.1), indicating it is not a common variant. Computational predictors suggest that the variant does not impact FREM2 function. This variant has been reported in the ClinVar database as a germline variant of uncertain significance by three submitters. Due to limited information, and based on ACMG/AMP guidelines for variant interpretation (Richards S et al., PMID: 25741868), the clinical significance of this variant is uncertain at this time.

Ambry Genetics
Classification: Uncertain significance for Inborn genetic diseases. Last evaluated: 2024-02-27. Review status: criteria provided, single submitter. Criteria: Ambry Variant Classification Scheme 2023. Collection method: clinical testing. Allele origin: germline.

Labcorp Genetics (formerly Invitae), Labcorp
Classification: Uncertain significance. Last evaluated: 2022-06-29. Review status: criteria provided, single submitter. Criteria: Invitae Variant Classification Sherloc (09022015). Collection method: clinical testing. Allele origin: germline.
Comment: This sequence change replaces threonine, which is neutral and polar, with methionine, which is neutral and non-polar, at codon 3119 of the FREM2 protein (p.Thr3119Met). This variant is present in population databases (rs143100970, gnomAD 0.06%). This variant has not been reported in the literature in individuals affected with FREM2-related conditions. Algorithms developed to predict the effect of missense changes on protein structure and function are either unavailable or do not agree on the potential impact of this missense change (SIFT: "Deleterious"; PolyPhen-2: "Benign"; Align-GVGD: "Class C0"). In summary, the available evidence is currently insufficient to determine the role of this variant in disease. Therefore, it has been classified as a Variant of Uncertain Significance.

Revvity Omics, Revvity
Classification: Uncertain significance. Last evaluated: 2020-01-30. Review status: criteria provided, single submitter. Criteria: ACMG Guidelines, 2015. Collection method: clinical testing. Allele origin: germline.

NM_207361.6(FREM2):c.9356C>T (p.Thr3119Met)

Gene: FREM2 (FRAS1 related extracellular matrix 2; plus strand). Cytogenetic location: 13q13.3.
Variant type: single nucleotide variant.
Coding change: c.9356C>T on transcript NM_207361.6 (MANE Select); coding-DNA position 9356, C replaced by T.
Protein change: p.Thr3119Met; replaces threonine 3119 with methionine.
Molecular consequence: missense variant.
Genome position (GRCh38, 1-based): chr13:38,880,633, C>T. VCF-style: chr13-38880633-C-T. GRCh37 (hg19) VCF-style: chr13-39454770-C-T.
Other names: c.9356C>T (NM_207361.4); short protein forms T3119M.
Identifiers: ClinVar variation 1371339 (VCV001371339.7), dbSNP rs143100970, ClinGen allele CA6956366.